The following is an entry in ClinVar:

NM_017636.4(TRPM4):c.1841A>T (p.Asp614Val)

Gene: TRPM4 (transient receptor potential cation channel subfamily M member 4; plus strand). Cytogenetic location: 19q13.33.
Variant type: single nucleotide variant.
Coding change: c.1841A>T on transcript NM_017636.4 (MANE Select); coding-DNA position 1841, A replaced by T.
Protein change: p.Asp614Val; replaces aspartic acid 614 with valine.
Molecular consequence: missense variant.
Genome position (GRCh38, 1-based): chr19:49,188,738, A>T. VCF-style: chr19-49188738-A-T. GRCh37 (hg19) VCF-style: chr19-49691995-A-T.
Other names: c.1841A>T, p.Asp614Val (NM_001195227.2); c.1496A>T, p.Asp499Val (NM_001321281.2); c.233A>T, p.Asp78Val (NM_001321282.2); c.1319A>T, p.Asp440Val (NM_001321283.2); c.779A>T, p.Asp260Val (NM_001321285.2); short protein forms D614V, D440V, D78V, D260V, D499V.
Identifiers: ClinVar variation 1781166 (VCV001781166.2), dbSNP rs1250436786, ClinGen allele CA406803183.

ClinVar aggregate classification (germline): Uncertain significance (1 of 4 stars; one submission).

Conditions:
Cardiovascular phenotype. Identifiers: MedGen CN230736.

Submission:

Ambry Genetics
Classification: Uncertain significance for Cardiovascular phenotype. Last evaluated: 2022-09-26. Review status: criteria provided, single submitter. Criteria: Ambry Variant Classification Scheme 2023. Collection method: clinical testing. Allele origin: germline.
Comment: The p.D614V variant (also known as c.1841A>T), located in coding exon 13 of the TRPM4 gene, results from an A to T substitution at nucleotide position 1841. The aspartic acid at codon 614 is replaced by valine, an amino acid with highly dissimilar properties. This amino acid position is conserved. In addition, this alteration is predicted to be tolerated by in silico analysis. Since supporting evidence is limited at this time, the clinical significance of this alteration remains unclear.